The following is an entry in ClinVar:

ClinVar aggregate classification (germline): Pathogenic/Likely pathogenic. Review status: criteria provided, multiple submitters, no conflicts (2 of 4 stars). 6 submissions from 6 submitters: Pathogenic (2); Likely pathogenic (3). 1 of the submissions does not count toward it. Last evaluated 2026-01-21.

Conditions:
Bardet-Biedl syndrome (BBS). Identifiers: Orphanet 110, MedGen C0752166, MONDO:0015229.
BBS2-related disorder. Also called: BBS2-related disorders; BBS2-related condition. Identifiers: MedGen CN239228.
Bardet-Biedl syndrome 2 (BBS2). Identifiers: Orphanet 110, MedGen C2936863, MONDO:0014432, OMIM 615981.

Submissions (6):

PreventionGenetics, part of Exact Sciences
Classification: Likely pathogenic for BBS2-related condition. Last evaluated: 2026-01-21. Review status: criteria provided, single submitter. Criteria: ACMG Guidelines, 2015. Collection method: clinical testing. Allele origin: germline.
Comment: The BBS2 c.1909_1910delAT variant is predicted to result in a frameshift and premature protein termination (p.Met637Glufs*12). This variant was reported in the compound heterozygous state in an individual with Bardet-Biedl syndrome (Karmous-Benailly et al. 2005. PubMed ID: 15666242). This variant has not been reported in a large population database (gnomAD), indicating this variant is rare. Frameshift variants in BBS2 are expected to be pathogenic. This variant is interpreted as likely pathogenic.

Natera, Inc.
Classification: Pathogenic for Bardet-Biedl syndrome type 2. Last evaluated: 2025-12-15. Review status: criteria provided, single submitter. Criteria: Natera Variant Classification Schema (03/2026). Collection method: clinical testing. Allele origin: germline.
Comment: The c.1909_1910delAT variant in BBS2 is a frameshift variant predicted to shift the reading frame beginning at codon 637 and leads to a stop codon 12 codons downstream. This variant is expected to result in nonsense mediated decay, truncation, or a dysfunctional protein product. This variant is rare in the general population with a frequency below the threshold expected for the associated phenotype(s). This variant has been observed in one or more individuals affected with the associated recessive disease, as either homozygous or compound heterozygous with a second variant (PMID: 15666242). Given the available evidence, this variant is classified as Pathogenic.

Labcorp Genetics (formerly Invitae), Labcorp
Classification: Pathogenic for Bardet-Biedl syndrome. Last evaluated: 2023-11-21. Review status: criteria provided, single submitter. Criteria: Invitae Variant Classification Sherloc (09022015). Collection method: clinical testing. Allele origin: germline.
Comment: This sequence change creates a premature translational stop signal (p.Met637Glufs*12) in the BBS2 gene. It is expected to result in an absent or disrupted protein product. Loss-of-function variants in BBS2 are known to be pathogenic (PMID: 11285252, 20177705, 24608809, 26518167). This variant is not present in population databases (gnomAD no frequency). This premature translational stop signal has been observed in individual(s) with clinical features of Bardet-Biedl syndrome (PMID: 15666242). ClinVar contains an entry for this variant (Variation ID: 552850). Algorithms developed to predict the effect of sequence changes on RNA splicing suggest that this variant may disrupt the consensus splice site. For these reasons, this variant has been classified as Pathogenic.

Women's Health and Genetics/Laboratory Corporation of America, LabCorp
Classification: Likely pathogenic for Bardet-Biedl syndrome. Last evaluated: 2021-01-29. Review status: criteria provided, single submitter. Criteria: LabCorp Variant Classification Summary - May 2015. Collection method: clinical testing. Allele origin: germline.
Comment: Variant summary: BBS2 c.1909_1910delAT (p.Met637GlufsX12) results in a premature termination codon, predicted to cause a truncation of the encoded protein or absence of the protein due to nonsense mediated decay, which are commonly known mechanisms for disease. Truncations downstream of this position have been classified as pathogenic by our laboratory. The variant was absent in 251460 control chromosomes. c.1909_1910delAT has been reported in the literature as compound heterozygous with another pathogenic variant in a fetus affected with Bardet-Biedl Syndrome (e.g. Karmous-Benailly_2005). These data do not allow any conclusion about variant significance. To our knowledge, no experimental evidence demonstrating an impact on protein function has been reported. Three other clinical diagnostic laboratories have submitted clinical-significance assessments for this variant to ClinVar after 2014 without evidence for independent evaluation. All laboratories cited the variant as pathogenic/likely pathogenic. Based on the evidence outlined above, the variant was classified as likely pathogenic.

Blueprint Genetics
Classification: Likely pathogenic for BBS2-related disorders. Last evaluated: 2020-04-28. Review status: criteria provided, single submitter. Criteria: ACMG Guidelines, 2015. Collection method: clinical testing. Allele origin: germline. Affected: yes. Observed: 3 variant alleles.

Counsyl
Classification: Likely pathogenic for Bardet-Biedl syndrome 2. Last evaluated: 2017-07-12. Review status: no assertion criteria provided. Collection method: clinical testing. Allele origin: unknown. Not counted in ClinVar's aggregate classification.

Literature cited by the submitters: PubMed 15666242 (cited by 4 submitters); PubMed 11285252 (cited by Labcorp Genetics (formerly Invitae), Labcorp); PubMed 20177705 (cited by Labcorp Genetics (formerly Invitae), Labcorp); PubMed 24608809 (cited by Labcorp Genetics (formerly Invitae), Labcorp); PubMed 26518167 (cited by Labcorp Genetics (formerly Invitae), Labcorp); PubMed 21463199 (cited by Women's Health and Genetics/Laboratory Corporation of America, LabCorp); PubMed 25541840 (cited by Women's Health and Genetics/Laboratory Corporation of America, LabCorp); PubMed 30029678 (cited by Women's Health and Genetics/Laboratory Corporation of America, LabCorp).

NM_031885.5(BBS2):c.1909_1910del (p.Met637fs)

Gene: BBS2 (Bardet-Biedl syndrome 2; minus strand). Cytogenetic location: 16q13.
Variant type: Deletion.
Coding change: c.1909_1910del on transcript NM_031885.5 (MANE Select); coding-DNA positions 1909 to 1910, 2 bases deleted (AT; older notation c.1909_1910delAT).
Protein change: p.Met637fs; shifts the reading frame from methionine 637.
Molecular consequence: frameshift variant. On other transcripts: non-coding transcript variant (5).
Genome position (GRCh38, 1-based): chr16:56,496,967-56,496,968, AT deleted on the plus strand (AT on the coding strand, the reverse complement: BBS2 is on the minus strand). VCF-style (leftmost placement, unchanged base first): chr16-56496966-CAT-C. GRCh37 (hg19) VCF-style: chr16-56530878-CAT-C.
Other names: c.1909_1910del, p.Met637fs (NM_001377456.1); c.1909_1910del (NM_031885.3); short protein forms M637fs.
Identifiers: ClinVar variation 552850 (VCV000552850.17), dbSNP rs1555521379, ClinGen allele CA658824620.